The following is an entry in ClinVar:

NM_014363.6(SACS):c.5431A>T (p.Lys1811Ter)

Gene: SACS (sacsin molecular chaperone; minus strand). Cytogenetic location: 13q12.12.
Variant type: single nucleotide variant.
Coding change: c.5431A>T on transcript NM_014363.6 (MANE Select); coding-DNA position 5431, A replaced by T.
Protein change: p.Lys1811Ter; replaces lysine 1811 with a stop codon.
Molecular consequence: nonsense.
Genome position (GRCh38, 1-based): chr13:23,338,445, T>A on the plus strand (A>T on the coding strand, the complement: SACS is on the minus strand). VCF-style: chr13-23338445-T-A. GRCh37 (hg19) VCF-style: chr13-23912584-T-A.
Other names: c.4990A>T, p.Lys1664Ter (NM_001278055.2); short protein forms K1811*, K1664*.
Identifiers: ClinVar variation 426362 (VCV000426362.2), dbSNP rs1085307587, ClinGen allele CA387525680.
Genomic context (GRCh38, chr13:23,338,445, plus strand): 5'-TCAGAGCCTCTCCTGTGTCCATGCAAGTACACAGAAGCCACGTGGTACACTCTACTGTTT[T>A]CTGTGACAACTCATCTGATGGCTTTTTTGATTGGCCAGACTTAGCCATTTCAAAGAGAGC-3'

ClinVar aggregate classification (germline): Likely pathogenic (1 of 4 stars; one submission).

Submission:

GeneDx
Classification: Likely pathogenic. Last evaluated: 2017-04-19. Review status: criteria provided, single submitter. Criteria: GeneDx Variant Classification (06012015). Collection method: clinical testing. Allele origin: germline. Affected: yes.
Comment: The K1811X variant in the SACS gene has not been reported previously as a pathogenic variant nor as a benign variant, to our knowledge. This variant is predicted to cause loss of normal protein function through protein truncation. The K1811X variant is not observed in large population cohorts (Lek et al., 2016; 1000 Genomes Consortium et al., 2015; Exome Variant Server). We interpret K1811X as a likely pathogenic variant.